The following is an entry in ClinVar:

NM_138927.4(SON):c.1125G>A (p.Ser375=)

Gene: SON (SON DNA and RNA binding protein; plus strand). Cytogenetic location: 21q22.11.
Variant type: single nucleotide variant.
Coding change: c.1125G>A on transcript NM_138927.4 (MANE Select); coding-DNA position 1125, G replaced by A.
Protein change: p.Ser375=; no amino-acid change (serine 375 retained).
Molecular consequence: synonymous variant. On other transcripts: non-coding transcript variant (1), intron variant (1).
Genome position (GRCh38, 1-based): chr21:33,550,356, G>A. VCF-style: chr21-33550356-G-A. GRCh37 (hg19) VCF-style: chr21-34922662-G-A.
Other names: c.1125G>A, p.Ser375= (NM_001291411.2, NM_001412133.1, NM_032195.3 and 2 more transcripts); c.244+3977G>A (NM_001291412.3).
Identifiers: ClinVar variation 2134762 (VCV002134762.28), dbSNP rs932661506, ClinGen allele CA320149862.
Genomic context (GRCh38, chr21:33,550,356, plus strand): 5'-GACAAGACCGCAGGAGTTGCCGGAGCTGCCTAAGACCACAGCGTTGGAGCTGCAGGAGTC[G>A]TCGGTGGCCTCAGCGATGGAGTTGCCGGGGCCACCTGCGACCTCCATGCCGGAGTTGCAG-3'
Protein context (NP_620305.3, residues 365-385): PKTTALELQE[Ser375=]SVASAMELPG

ClinVar aggregate classification (germline): Likely benign. Review status: criteria provided, multiple submitters, no conflicts (2 of 4 stars). 2 submissions from 2 submitters: Likely benign (2). Last evaluated 2023-02-01.

Allele frequency attached by ClinVar (database versions not stated): gnomAD exomes below 0.00001; TOPMed 0.00002.

Submissions (2):

CeGaT Center for Human Genetics Tuebingen
Classification: Likely benign. Last evaluated: 2023-02-01. Review status: criteria provided, single submitter. Criteria: CeGaT Center For Human Genetics Tuebingen Variant Classification Criteria Version 2. Collection method: clinical testing. Allele origin: germline. Affected: yes. Observed: 1 variant allele.
Comment: SON: PM2:Supporting, BP4, BP7

Labcorp Genetics (formerly Invitae), Labcorp
Classification: Likely benign. Last evaluated: 2022-05-06. Review status: criteria provided, single submitter. Criteria: Invitae Variant Classification Sherloc (09022015). Collection method: clinical testing. Allele origin: germline.